The following is an entry in ClinVar:

NM_019851.3(FGF20):c.210T>C (p.Tyr70=)

Gene: FGF20 (fibroblast growth factor 20; minus strand). Cytogenetic location: 8p22.
Variant type: single nucleotide variant.
Coding change: c.210T>C on transcript NM_019851.3 (MANE Select); coding-DNA position 210, T replaced by C.
Protein change: p.Tyr70=; no amino-acid change (tyrosine 70 retained).
Molecular consequence: synonymous variant.
Genome position (GRCh38, 1-based): chr8:17,001,823, A>G on the plus strand (T>C on the coding strand, the complement: FGF20 is on the minus strand). VCF-style: chr8-17001823-A-G. GRCh37 (hg19) VCF-style: chr8-16859332-A-G.
Identifiers: ClinVar variation 3055308 (VCV003055308.2), dbSNP rs112352647, ClinGen allele CA172914838.

ClinVar aggregate classification (germline): Likely benign (0 of 4 stars; one submission).

Conditions:
FGF20-related disorder. Also called: FGF20-related condition.

Allele frequency attached by ClinVar (database versions not stated): gnomAD exomes below 0.00001; gnomAD 0.00001; 1000 Genomes Project 30x 0.00016; 1000 Genomes Project 0.00020.
gnomAD v4.1: 2 of 1,543,342 alleles (0.00013%); highest among the groups gnomAD compares: African/African-American, 0.0014%; no homozygotes.

Submission:

PreventionGenetics, part of Exact Sciences
Classification: Likely benign for FGF20-related condition. Last evaluated: 2021-04-28. Review status: no assertion criteria provided. Collection method: clinical testing. Allele origin: germline.
Comment: This variant is classified as likely benign based on ACMG/AMP sequence variant interpretation guidelines (Richards et al. 2015 PMID: 25741868, with internal and published modifications).